The following is an entry in ClinVar:

NM_000883.4(IMPDH1):c.922G>A (p.Ala308Thr)

Gene: IMPDH1 (inosine monophosphate dehydrogenase 1; minus strand). Cytogenetic location: 7q32.1.
Variant type: single nucleotide variant.
Coding change: c.922G>A on transcript NM_000883.4 (MANE Select); coding-DNA position 922, G replaced by A.
Protein change: p.Ala308Thr; replaces alanine 308 with threonine.
Molecular consequence: missense variant.
Genome position (GRCh38, 1-based): chr7:128,398,566, C>T on the plus strand (G>A on the coding strand, the complement: IMPDH1 is on the minus strand). VCF-style: chr7-128398566-C-T. GRCh37 (hg19) VCF-style: chr7-128038620-C-T.
Other names: c.892G>A, p.Ala298Thr (NM_001102605.2); c.667G>A, p.Ala223Thr (NM_001142573.2); c.652G>A, p.Ala218Thr (NM_001142574.2); c.592G>A, p.Ala198Thr (NM_001142575.2); c.823G>A, p.Ala275Thr (NM_001142576.2); c.715G>A, p.Ala239Thr (NM_001304521.2); c.814G>A, p.Ala272Thr (NM_183243.3); short protein forms A308T, A272T, A218T, A275T, A198T, A223T, A239T, A298T.
Identifiers: ClinVar variation 860766 (VCV000860766.11), dbSNP rs1798092833, ClinGen allele CA369169473.

ClinVar aggregate classification (germline): Uncertain significance (1 of 4 stars; one submission).

Allele frequency attached by ClinVar (database versions not stated): gnomAD exomes below 0.00001.
gnomAD v4.1: 1 of 1,612,496 alleles (0.000062%); highest among the groups gnomAD compares: Non-Finnish European, 0.000085%; no homozygotes.

Submission:

Labcorp Genetics (formerly Invitae), Labcorp
Classification: Uncertain significance. Last evaluated: 2022-02-24. Review status: criteria provided, single submitter. Criteria: Invitae Variant Classification Sherloc (09022015). Collection method: clinical testing. Allele origin: germline.
Comment: Algorithms developed to predict the effect of missense changes on protein structure and function are either unavailable or do not agree on the potential impact of this missense change (SIFT: "Deleterious"; PolyPhen-2: "Possibly Damaging"; Align-GVGD: "Class C0"). This sequence change replaces alanine, which is neutral and non-polar, with threonine, which is neutral and polar, at codon 308 of the IMPDH1 protein (p.Ala308Thr). This variant is not present in population databases (gnomAD no frequency). This variant has not been reported in the literature in individuals affected with IMPDH1-related conditions. ClinVar contains an entry for this variant (Variation ID: 860766). In summary, the available evidence is currently insufficient to determine the role of this variant in disease. Therefore, it has been classified as a Variant of Uncertain Significance.